The following is an entry in ClinVar:

NM_001130987.2(DYSF):c.3894_3895del (p.Lys1299fs)

Gene: DYSF (dysferlin; plus strand). Cytogenetic location: 2p13.2.
Variant type: Microsatellite.
Coding change: c.3894_3895del on transcript NM_001130987.2 (MANE Select); coding-DNA positions 3894 to 3895, 2 bases deleted (GA; older notation c.3894_3895delGA).
Protein change: p.Lys1299fs; shifts the reading frame from lysine 1299.
Molecular consequence: frameshift variant.
Genome position (GRCh38, 1-based): chr2:71,600,839-71,600,840, GA deleted; deleting any 2 consecutive bases within chr2:71,600,832-71,600,840 gives the same sequence; the c. name uses the placement nearest the transcript's 3' end. VCF-style (leftmost placement, unchanged base first): chr2-71600831-CAG-C. GRCh37 (hg19) VCF-style: chr2-71827961-CAG-C.
Other names: c.3840_3841delGA (NM_003494.4); c.3891_3892del, p.Lys1298fs (NM_001130980.2, NM_001130981.2); c.3936_3937del, p.Lys1313fs (NM_001130982.2); c.3843_3844del, p.Lys1282fs (NM_001130983.2, NM_001130455.2); c.3801_3802del, p.Lys1268fs (NM_001130984.2, NM_001130986.2); c.3894_3895del, p.Lys1299fs (NM_001130985.2); c.3840_3841del, p.Lys1281fs (NM_003494.4, NM_001130978.2); c.3798_3799del, p.Lys1267fs (NM_001130976.2, NM_001130977.2); and 1 more; short protein forms K1267fs, K1268fs, K1281fs, K1282fs, K1298fs, K1299fs, K1312fs, K1313fs.
Identifiers: ClinVar variation 1180610 (VCV001180610.2), dbSNP rs1558584694, ClinGen allele CA2580611653.

ClinVar aggregate classification (germline): Pathogenic/Likely pathogenic. Review status: criteria provided, multiple submitters, no conflicts (2 of 4 stars). 2 submissions from 2 submitters: Pathogenic (1); Likely pathogenic (1). Last evaluated 2023-09-05.

Conditions:
Autosomal recessive limb-girdle muscular dystrophy. Identifiers: Orphanet 102015, MedGen C2931907, MONDO:0015152.
Abnormality of the musculature. Identifiers: MedGen C4021745, HP:0003011.

Submissions (2):

Myriad Genetics, Inc.
Classification: Pathogenic for Autosomal recessive limb-girdle muscular dystrophy. Last evaluated: 2023-09-05. Review status: criteria provided, single submitter. Criteria: Myriad Autosomal Dominant, Autosomal Recessive and X-Linked Classification Criteria (2023). Collection method: clinical testing. Allele origin: unknown.
Comment: NM_003494.3(DYSF):c.3840_3841delGA(K1281Afs*10) is expected to be pathogenic in the context of dysferlinopathy. This variant is predicted to lead to an abnormal or absent protein product due to the creation of a premature termination codon in DYSF, a gene where loss-of-function variants are known to be pathogenic. Please note: this variant was assessed in the context of healthy population screening.

Kariminejad - Najmabadi Pathology & Genetics Center
Classification: Likely pathogenic for Abnormality of the musculature. Last evaluated: 2021-07-10. Review status: criteria provided, single submitter. Criteria: ACMG Guidelines, 2015. Collection method: clinical testing. Allele origin: germline. Affected: yes.